The following is an entry in ClinVar:

NM_001793.6(CDH3):c.1285G>A (p.Val429Ile)

Gene: CDH3 (cadherin 3; plus strand). Cytogenetic location: 16q22.1.
Variant type: single nucleotide variant.
Coding change: c.1285G>A on transcript NM_001793.6 (MANE Select); coding-DNA position 1285, G replaced by A.
Protein change: p.Val429Ile; replaces valine 429 with isoleucine.
Molecular consequence: missense variant.
Genome position (GRCh38, 1-based): chr16:68,684,685, G>A. VCF-style: chr16-68684685-G-A. GRCh37 (hg19) VCF-style: chr16-68718588-G-A.
Other names: c.1285G>A, p.Val429Ile (NM_001317195.3); c.1120G>A, p.Val374Ile (NM_001317196.2); short protein forms V429I, V374I.
Identifiers: ClinVar variation 100570 (VCV000100570.20), dbSNP rs34394404, ClinGen allele CA228898.

ClinVar aggregate classification (germline): Benign/Likely benign. Review status: criteria provided, multiple submitters, no conflicts (2 of 4 stars). 5 submissions from 5 submitters: Benign (2); Likely benign (2). 1 of the submissions does not count toward it. Last evaluated 2026-01-29.

Conditions:
EEM syndrome (EEMS). Identifiers: Orphanet 1897, MedGen C1857041, MONDO:0009155, OMIM 225280.

Allele frequency attached by ClinVar (database versions not stated): 1000 Genomes Project 0.00359; 1000 Genomes Project 30x 0.00406; gnomAD 0.00905; TOPMed 0.00920; ESP Exome Variant Server 0.01177.
gnomAD v4.1: 19,567 of 1,614,196 alleles (1.2%); highest among the groups gnomAD compares: Non-Finnish European, 1.5%; 160 homozygotes.

Submissions (5):

Labcorp Genetics (formerly Invitae), Labcorp
Classification: Benign. Last evaluated: 2026-01-29. Review status: criteria provided, single submitter. Criteria: Invitae Variant Classification Sherloc (09022015). Collection method: clinical testing. Allele origin: germline.

GeneDx
Classification: Likely benign. Last evaluated: 2024-06-26. Review status: criteria provided, single submitter. Criteria: GeneDx Variant Classification Process June 2021. Collection method: clinical testing. Allele origin: germline. Affected: yes.
Comment: See Variant Classification Assertion Criteria.

Illumina Laboratory Services, Illumina
Classification: Benign for EEM syndrome. Last evaluated: 2018-01-12. Review status: criteria provided, single submitter. Criteria: ICSL Variant Classification Criteria 13 December 2019. Collection method: clinical testing. Allele origin: germline.
Comment: This variant was observed in the ICSL laboratory as part of a predisposition screen in an ostensibly healthy population. It had not been previously curated by ICSL or reported in the Human Gene Mutation Database (HGMD: prior to June 1st, 2018), and was therefore a candidate for classification through an automated scoring system. Utilizing variant allele frequency, disease prevalence and penetrance estimates, and inheritance mode, an automated score was calculated to assess if this variant is too frequent to cause the disease. Based on the score and internal cut-off values, a variant classified as benign is not then subjected to further curation. The score for this variant resulted in a classification of benign for this disease.

Breakthrough Genomics
Classification: Likely benign. Review status: criteria provided, single submitter. Criteria: ACMG Guidelines, 2015. Collection method: not provided. Allele origin: germline. Inheritance: Autosomal recessive inheritance. Affected: yes.

NEI Ophthalmic Genomics Laboratory, National Institutes of Health
No classification provided. Review status: no classification provided. Collection method: not provided. Allele origin: not provided. Not counted in ClinVar's aggregate classification.